The following is an entry in ClinVar:

ClinVar aggregate classification (germline): Uncertain significance. Review status: criteria provided, multiple submitters, no conflicts (2 of 4 stars). 2 submissions from 2 submitters: Uncertain significance (2). Last evaluated 2024-04-22.

Conditions:
Inborn genetic diseases. Identifiers: MedGen C0950123, MeSH D030342.
Charcot-Marie-Tooth disease dominant intermediate C (CMTDIC). Also called: CHARCOT-MARIE-TOOTH NEUROPATHY, DOMINANT INTERMEDIATE C. Identifiers: Orphanet 100045, MedGen C1842237, MONDO:0012012, OMIM 608323.

Allele frequency attached by ClinVar (database versions not stated): gnomAD 0.00003; TOPMed 0.00004; ExAC 0.00001; gnomAD exomes 0.00001.
gnomAD v4.1: 13 of 1,614,080 alleles (0.00081%); highest among the groups gnomAD compares: African/African-American, 0.016%; no homozygotes.

Submissions (2):

Labcorp Genetics (formerly Invitae), Labcorp
Classification: Uncertain significance for Charcot-Marie-Tooth disease dominant intermediate C. Last evaluated: 2024-04-22. Review status: criteria provided, single submitter. Criteria: Invitae Variant Classification Sherloc (09022015). Collection method: clinical testing. Allele origin: germline.
Comment: This sequence change replaces proline, which is neutral and non-polar, with leucine, which is neutral and non-polar, at codon 483 of the YARS protein (p.Pro483Leu). This variant is present in population databases (rs769592872, gnomAD 0.02%). This variant has not been reported in the literature in individuals affected with YARS-related conditions. ClinVar contains an entry for this variant (Variation ID: 1681475). Advanced modeling of protein sequence and biophysical properties (such as structural, functional, and spatial information, amino acid conservation, physicochemical variation, residue mobility, and thermodynamic stability) has been performed at Invitae for this missense variant, however the output from this modeling did not meet the statistical confidence thresholds required to predict the impact of this variant on YARS protein function. In summary, the available evidence is currently insufficient to determine the role of this variant in disease. Therefore, it has been classified as a Variant of Uncertain Significance.

Ambry Genetics
Classification: Uncertain significance for Inborn genetic diseases. Last evaluated: 2019-10-25. Review status: criteria provided, single submitter. Criteria: Ambry Variant Classification Scheme 2023. Collection method: clinical testing. Allele origin: germline.
Comment: The p.P483L variant (also known as c.1448C>T), located in coding exon 12 of the YARS gene, results from a C to T substitution at nucleotide position 1448. The proline at codon 483 is replaced by leucine, an amino acid with similar properties. This amino acid position is highly conserved in available vertebrate species. In addition, the in silico prediction for this alteration is inconclusive. Since supporting evidence is limited at this time, the clinical significance of this alteration remains unclear.

NM_003680.4(YARS1):c.1448C>T (p.Pro483Leu)

Gene: YARS1 (tyrosyl-tRNA synthetase 1; minus strand). Cytogenetic location: 1p35.1.
Variant type: single nucleotide variant.
Coding change: c.1448C>T on transcript NM_003680.4 (MANE Select); coding-DNA position 1448, C replaced by T.
Protein change: p.Pro483Leu; replaces proline 483 with leucine.
Molecular consequence: missense variant.
Genome position (GRCh38, 1-based): chr1:32,779,410, G>A on the plus strand (C>T on the coding strand, the complement: YARS1 is on the minus strand). VCF-style: chr1-32779410-G-A. GRCh37 (hg19) VCF-style: chr1-33245011-G-A.
Other names: short protein forms P483L.
Identifiers: ClinVar variation 1681475 (VCV001681475.8), dbSNP rs769592872, ClinGen allele CA744894.